The following is an entry in ClinVar:

NM_001165963.4(SCN1A):c.264_264+5delinsTGCC

Gene: SCN1A (sodium voltage-gated channel alpha subunit 1; minus strand). Cytogenetic location: 2q24.3.
Variant type: Indel.
Coding change: c.264_264+5delinsTGCC on transcript NM_001165963.4 (MANE Select); coding-DNA position 264 through 5 bases into the intron after coding-DNA position 264, AGTGAG replaced by TGCC.
Molecular consequence: splice donor variant.
Genome position (GRCh38, 1-based): chr2:166,073,353-166,073,358, CTCACT replaced by GGCA on the plus strand (AGTGAG replaced by TGCC on the coding strand, the reverse complement: SCN1A is on the minus strand). VCF-style: chr2-166073353-CTCACT-GGCA. GRCh37 (hg19) VCF-style: chr2-166929863-CTCACT-GGCA.
Other names: c.264_264+5delinsTGCC (NM_001353949.2, NM_001353958.2, NM_001353950.2 and 10 more transcripts); c.-2162_-2162+5delinsTGCC (NM_001353961.2).
Identifiers: ClinVar variation 530484 (VCV000530484.2), dbSNP rs1553560676, ClinGen allele CA658795938.

ClinVar aggregate classification (germline): Pathogenic (1 of 4 stars; one submission).

Conditions:
Developmental and epileptic encephalopathy. Identifiers: MedGen C5779964, MONDO:0100620.

Submission:

Labcorp Genetics (formerly Invitae), Labcorp
Classification: Pathogenic for Early infantile epileptic encephalopathy. Last evaluated: 2018-03-27. Review status: criteria provided, single submitter. Criteria: Invitae Variant Classification Sherloc (09022015). Collection method: clinical testing. Allele origin: germline.
Comment: This sequence change deletes the last nucleotide of exon 4 and the first 5 nucleotides of intron 4 and inserts the sequence "TGCC".Â¬â€  The resulting sequence lacks the intron 4 consensus donor splice site of the SCN1A gene. It is expected to disrupt RNA splicing and likely results in an absent or disrupted protein product. This variant is not present in population databases (ExAC no frequency). Algorithms developed to predict the effect of sequence changes on RNA splicing suggest that this variant may disrupt the consensus splice site, but this prediction has not been confirmed by published transcriptional studies. Donor and acceptor splice site variants typically lead to a loss of protein function (PMID: 16199547), and loss-of-function variants in SCN1A are known to be pathogenic (PMID: 17347258, 18930999). For these reasons, this variant has been classified as Pathogenic.

Literature cited by the submitters: PubMed 18930999; PubMed 17347258.